The following is an entry in ClinVar:

ClinVar aggregate classification (germline): Uncertain significance. Review status: criteria provided, multiple submitters, no conflicts (2 of 4 stars). 4 submissions from 4 submitters: Uncertain significance (4). Last evaluated 2025-09-20.

Conditions:
Familial hyperaldosteronism type III. Also called: FH III; Familial hyperaldosteronism type 3. Identifiers: Orphanet 251274, MedGen C3838758, MONDO:0013359, OMIM 613677.
Long QT syndrome 13 (LQT13). Identifiers: Orphanet 101016, Orphanet 768, MedGen C3150733, MONDO:0013279, OMIM 613485.
Long QT syndrome (LQTS). Identifiers: MedGen C0023976, MeSH D008133, MONDO:0002442. Disease mechanism: loss of function. Inheritance: Various modes of inheritance.

Allele frequency attached by ClinVar (database versions not stated): ExAC 0.00001; gnomAD exomes 0.00001; TOPMed 0.00002.

Submissions (4):

GeneDx
Classification: Uncertain significance. Last evaluated: 2025-09-20. Review status: criteria provided, single submitter. Criteria: GeneDx Variant Classification Process June 2021. Collection method: clinical testing. Allele origin: germline. Affected: yes.
Comment: Not observed at significant frequency in large population cohorts (gnomAD); In silico analysis supports that this missense variant has a deleterious effect on protein structure/function; This variant is associated with the following publications: (PMID: 31847883)

Labcorp Genetics (formerly Invitae), Labcorp
Classification: Uncertain significance for Long QT syndrome. Last evaluated: 2024-06-03. Review status: criteria provided, single submitter. Criteria: Invitae Variant Classification Sherloc (09022015). Collection method: clinical testing. Allele origin: germline.
Comment: This sequence change replaces glycine, which is neutral and non-polar, with aspartic acid, which is acidic and polar, at codon 222 of the KCNJ5 protein (p.Gly222Asp). This variant is present in population databases (rs746522890, gnomAD 0.003%). This missense change has been observed in individual(s) with KCNJ5-related conditions (PMID: 31847883). ClinVar contains an entry for this variant (Variation ID: 429508). Advanced modeling of protein sequence and biophysical properties (such as structural, functional, and spatial information, amino acid conservation, physicochemical variation, residue mobility, and thermodynamic stability) performed at Invitae indicates that this missense variant is expected to disrupt KCNJ5 protein function with a positive predictive value of 80%. In summary, the available evidence is currently insufficient to determine the role of this variant in disease. Therefore, it has been classified as a Variant of Uncertain Significance.

Fulgent Genetics
Classification: Uncertain significance for Long QT syndrome 13; Familial hyperaldosteronism type III. Last evaluated: 2022-01-11. Review status: criteria provided, single submitter. Criteria: ACMG Guidelines, 2015. Collection method: clinical testing. Allele origin: unknown.

Blueprint Genetics
Classification: Uncertain significance. Last evaluated: 2021-03-25. Review status: criteria provided, single submitter. Criteria: ACMG Guidelines, 2015. Collection method: clinical testing. Allele origin: germline.

Literature cited by the submitters: PubMed 31847883 (cited by Labcorp Genetics (formerly Invitae), Labcorp).

NM_000890.5(KCNJ5):c.665G>A (p.Gly222Asp)

Gene: KCNJ5 (potassium inwardly rectifying channel subfamily J member 5; plus strand). Cytogenetic location: 11q24.3.
Variant type: single nucleotide variant.
Coding change: c.665G>A on transcript NM_000890.5 (MANE Select); coding-DNA position 665, G replaced by A.
Protein change: p.Gly222Asp; replaces glycine 222 with aspartic acid.
Molecular consequence: missense variant.
Genome position (GRCh38, 1-based): chr11:128,911,938, G>A. VCF-style: chr11-128911938-G-A. GRCh37 (hg19) VCF-style: chr11-128781833-G-A.
Other names: c.665G>A, p.Gly222Asp (NM_001354169.2); c.665G>A (LRG_333t1); short protein forms G222D.
Identifiers: ClinVar variation 429508 (VCV000429508.16), dbSNP rs746522890, ClinGen allele CA6357913.
Genomic context (GRCh38, chr11:128,911,938, plus strand): 5'-TTTCCAACAACGCAGTCATCTCCATGCGGGACGAGAAGCTGTGCCTCATGTTCCGGGTGG[G>A]CGACCTCCGCAACTCCCACATCGTGGAGGCCTCCATCCGGGCCAAGCTCATCAAGTCCCG-3'
Protein context (NP_000881.3, residues 212-232): DEKLCLMFRV[Gly222Asp]DLRNSHIVEA